The following is an entry in ClinVar:

ClinVar aggregate classification (germline): Uncertain significance. Review status: criteria provided, multiple submitters, no conflicts (2 of 4 stars). 2 submissions from 2 submitters: Uncertain significance (2). Last evaluated 2025-01-28.

Conditions:
Primary familial hypertrophic cardiomyopathy (HCM). Identifiers: Orphanet 99739, MedGen C0949658, MeSH D024741, MONDO:0024573. Inheritance: Various modes of inheritance.

Allele frequency attached by ClinVar (database versions not stated): TOPMed below 0.00001; gnomAD 0.00001; gnomAD exomes 0.00001; ExAC 0.00002; ESP Exome Variant Server 0.00008.

Submissions (2):

Ambry Genetics
Classification: Uncertain significance. Last evaluated: 2025-01-28. Review status: criteria provided, single submitter. Criteria: Ambry Variant Classification Scheme 2023. Collection method: clinical testing. Allele origin: germline.
Comment: The p.D32N variant (also known as c.94G>A), located in coding exon 2 of the ILK gene, results from a G to A substitution at nucleotide position 94. The aspartic acid at codon 32 is replaced by asparagine, an amino acid with highly similar properties. This amino acid position is conserved. In addition, this alteration is predicted to be tolerated by in silico analysis. Since supporting evidence is limited at this time, the clinical significance of this alteration remains unclear.

Labcorp Genetics (formerly Invitae), Labcorp
Classification: Uncertain significance for Primary familial hypertrophic cardiomyopathy. Last evaluated: 2024-12-15. Review status: criteria provided, single submitter. Criteria: Invitae Variant Classification Sherloc (09022015). Collection method: clinical testing. Allele origin: germline.
Comment: This sequence change replaces aspartic acid, which is acidic and polar, with asparagine, which is neutral and polar, at codon 32 of the ILK protein (p.Asp32Asn). This variant is present in population databases (rs376074648, gnomAD 0.006%). This variant has not been reported in the literature in individuals affected with ILK-related conditions. ClinVar contains an entry for this variant (Variation ID: 1767174). An algorithm developed to predict the effect of missense changes on protein structure and function (PolyPhen-2) suggests that this variant is likely to be disruptive. In summary, the available evidence is currently insufficient to determine the role of this variant in disease. Therefore, it has been classified as a Variant of Uncertain Significance.

NM_004517.4(ILK):c.94G>A (p.Asp32Asn)

Genes: ILK (integrin linked kinase; plus strand), TAF10 (TATA-box binding protein associated factor 10; minus strand). Cytogenetic location: 11p15.4.
Variant type: single nucleotide variant.
Coding change: c.94G>A on transcript NM_004517.4 (MANE Select); coding-DNA position 94, G replaced by A.
Protein change: p.Asp32Asn; replaces aspartic acid 32 with asparagine.
Molecular consequence: missense variant. On other transcripts: 3 prime UTR variant (1), intron variant (1).
Genome position (GRCh38, 1-based): chr11:6,608,050, G>A. VCF-style: chr11-6608050-G-A. GRCh37 (hg19) VCF-style: chr11-6629280-G-A.
Other names: c.94G>A, p.Asp32Asn (NM_001014794.3, NM_001014795.3, NM_001278441.2); c.*2872C>T (NM_006284.4); c.-147-344G>A (NM_001278442.2); short protein forms D32N.
Identifiers: ClinVar variation 1767174 (VCV001767174.6), dbSNP rs376074648, ClinGen allele CA5857945.